The following is an entry in ClinVar:

ClinVar aggregate classification (germline): Conflicting classifications of pathogenicity. Review status: criteria provided, conflicting classifications (1 of 4 stars). 2 submissions from 2 submitters: Uncertain significance (1); Likely benign (1). Last evaluated 2026-05-19.

Conditions:
Hereditary cancer-predisposing syndrome. Also called: Tumor predisposition; Hereditary Cancer Syndrome; Hereditary neoplastic syndrome; Neoplastic Syndromes, Hereditary. Identifiers: Orphanet 140162, MedGen C0027672, MeSH D009386, MONDO:0015356.
Hereditary breast ovarian cancer syndrome. Also called: Hereditary breast and/or ovarian cancer syndrome; BRCA1- and BRCA2-Associated Hereditary Breast and Ovarian Cancer; Hereditary breast and ovarian cancer syndrome; Hereditary breast and ovarian cancer; Hereditary breast and ovarian cancer syndrome (HBOC); Breast and ovarian cancer. Identifiers: Orphanet 145, MedGen C0677776, MeSH D061325, MONDO:0003582. Disease mechanism: loss of function.

Submissions (3):

Ambry Genetics
Classification: Likely benign for Hereditary cancer-predisposing syndrome. Last evaluated: 2026-05-19. Review status: criteria provided, single submitter. Criteria: Ambry Variant Classification Scheme 2023. Collection method: clinical testing. Allele origin: germline.

Labcorp Genetics (formerly Invitae), Labcorp
Classification: Uncertain significance for Hereditary breast ovarian cancer syndrome. Last evaluated: 2024-03-06. Review status: criteria provided, single submitter. Criteria: Invitae Variant Classification Sherloc (09022015). Collection method: clinical testing. Allele origin: germline.
Comment: This sequence change replaces threonine, which is neutral and polar, with alanine, which is neutral and non-polar, at codon 1643 of the BRCA1 protein (p.Thr1643Ala). This variant is not present in population databases (gnomAD no frequency). This variant has not been reported in the literature in individuals affected with BRCA1-related conditions. ClinVar contains an entry for this variant (Variation ID: 865425). Advanced modeling performed at Invitae incorporating data from internal and/or published experimental studies (PMID: 30209399) indicates that this missense variant is not expected to disrupt BRCA1 function with a negative predictive value of 95%. In summary, the available evidence is currently insufficient to determine the role of this variant in disease. Therefore, it has been classified as a Variant of Uncertain Significance.

Brotman Baty Institute, University of Washington
No classification provided (evidence only). Condition: Breast-ovarian cancer, familial 1. Review status: no classification provided. Collection method: in vitro. Allele origin: not applicable. Functional consequence: functionally_normal. Not counted in ClinVar's aggregate classification.
ClinVar note: "not provided" was previously submitted as the classification for the variant. However, the classification appeared to be based only on an observation of functional data so it was converted to no classification on 2025-07-30.

Literature cited by the submitters: PubMed 30209399 (cited by Ambry Genetics and Labcorp Genetics (formerly Invitae), Labcorp).

NM_007294.4(BRCA1):c.4927A>G (p.Thr1643Ala)

Gene: BRCA1 (BRCA1 DNA repair associated; minus strand). Cytogenetic location: 17q21.31.
Variant type: single nucleotide variant.
Coding change: c.4927A>G on transcript NM_007294.4 (MANE Select); coding-DNA position 4927, A replaced by G.
Protein change: p.Thr1643Ala; replaces threonine 1643 with alanine.
Molecular consequence: missense variant. On other transcripts: non-coding transcript variant (1).
Genome position (GRCh38, 1-based): chr17:43,070,987, T>C on the plus strand (A>G on the coding strand, the complement: BRCA1 is on the minus strand). VCF-style: chr17-43070987-T-C. GRCh37 (hg19) VCF-style: chr17-41223004-T-C.
Other names: c.1405A>G, p.Thr469Ala (NM_001408482.1, NM_001408483.1, NM_001408484.1 and 5 more transcripts); c.1354A>G, p.Thr452Ala (NM_001408500.1, NM_001408501.1, NM_001408496.1 and 3 more transcripts); c.1351A>G, p.Thr451Ala (NM_001408502.1, NM_001408503.1, NM_001408504.1); c.1348A>G, p.Thr450Ala (NM_001408505.1); c.1291A>G, p.Thr431Ala (NM_001408506.1); c.1288A>G, p.Thr430Ala (NM_001408507.1); c.1279A>G, p.Thr427Ala (NM_001408508.1); c.1276A>G, p.Thr426Ala (NM_001408509.1); and 70 more; short protein forms T539A, T1643A, T1664A, T1596A, T1474A, T1489A, T1516A, T1532A.
Identifiers: ClinVar variation 865425 (VCV000865425.7), dbSNP rs2052375713, ClinGen allele CA10591668.
Genomic context (GRCh38, chr17:43,070,987, plus strand): 5'-CAAATTCTTCTGGGGTCAGGCCAGACACCACCATGGACATTCTTTTGTTGACCCTTTCTG[T>C]TGAAGCTGTCAATTCTGGCTTCTCCCTGCTCACACTTTCTTCCATTGCATTATACCCAGC-3'
Protein context (NP_009225.1, residues 1633-1653): SREKPELTAS[Thr1643Ala]ERVNKRMSMV